The following is an entry in ClinVar:

NM_001378454.1(ALMS1):c.764+17G>T

Gene: ALMS1 (ALMS1 centrosome and basal body associated protein; plus strand). Cytogenetic location: 2p13.1.
Variant type: single nucleotide variant.
Coding change: c.764+17G>T on transcript NM_001378454.1 (MANE Select); 17 bases into the intron after coding-DNA position 764, G replaced by T.
Molecular consequence: intron variant.
Genome position (GRCh38, 1-based): chr2:73,422,991, G>T. VCF-style: chr2-73422991-G-T. GRCh37 (hg19) VCF-style: chr2-73650119-G-T.
Other names: c.767+17G>T (NM_015120.4); c.764+17G>T (NM_015120.4).
Identifiers: ClinVar variation 392695 (VCV000392695.5), dbSNP rs1057524596, ClinGen allele CA16604365.

ClinVar aggregate classification (germline): Likely benign. Review status: criteria provided, multiple submitters, no conflicts (2 of 4 stars). 2 submissions from 2 submitters: Likely benign (2). Last evaluated 2025-03-12.

Conditions:
Alstrom syndrome (ALMS). Identifiers: Orphanet 64, MedGen C0268425, MONDO:0008763, OMIM 203800.

gnomAD v4.1: 6 of 1,575,480 alleles (0.00038%); highest among the groups gnomAD compares: Non-Finnish European, 0.00052%; no homozygotes.

Submissions (2):

Labcorp Genetics (formerly Invitae), Labcorp
Classification: Likely benign for Alstrom syndrome. Last evaluated: 2025-03-12. Review status: criteria provided, single submitter. Criteria: Invitae Variant Classification Sherloc (09022015). Collection method: clinical testing. Allele origin: germline.

GeneDx
Classification: Likely benign. Last evaluated: 2017-01-16. Review status: criteria provided, single submitter. Criteria: GeneDx Variant Classification (06012015). Collection method: clinical testing. Allele origin: germline. Affected: yes.
Comment: This variant is considered likely benign or benign based on one or more of the following criteria: it is a conservative change, it occurs at a poorly conserved position in the protein, it is predicted to be benign by multiple in silico algorithms, and/or has population frequency not consistent with disease.